The following is an entry in ClinVar:

ClinVar aggregate classification (germline): Uncertain significance. Review status: criteria provided, multiple submitters, no conflicts (2 of 4 stars). 2 submissions from 2 submitters: Uncertain significance (2). Last evaluated 2023-02-01.

Allele frequency attached by ClinVar (database versions not stated): gnomAD exomes 0.00001; TOPMed 0.00002.
gnomAD v4.1: 58 of 1,613,734 alleles (0.0036%); highest among the groups gnomAD compares: Non-Finnish European, 0.0043%; no homozygotes.

Submissions (2):

Athena Diagnostics
Classification: Uncertain significance. Last evaluated: 2023-02-01. Review status: criteria provided, single submitter. Criteria: Athena Diagnostics Criteria. Collection method: clinical testing. Allele origin: unknown.
Comment: Available data are insufficient to determine the clinical significance of the variant at this time. The frequency of this variant in the general population is uninformative in assessment of its pathogenicity. Computational tools predict that this variant is not damaging.

Labcorp Genetics (formerly Invitae), Labcorp
Classification: Uncertain significance. Last evaluated: 2021-09-01. Review status: criteria provided, single submitter. Criteria: Invitae Variant Classification Sherloc (09022015). Collection method: clinical testing. Allele origin: germline.
Comment: This sequence change replaces proline with arginine at codon 115 of the COQ8A protein (p.Pro115Arg). The proline residue is highly conserved and there is a moderate physicochemical difference between proline and arginine. This variant is not present in population databases (ExAC no frequency). This variant has not been reported in the literature in individuals affected with COQ8A-related conditions. Advanced modeling of protein sequence and biophysical properties (such as structural, functional, and spatial information, amino acid conservation, physicochemical variation, residue mobility, and thermodynamic stability) performed at Invitae indicates that this missense variant is not expected to disrupt COQ8A protein function. In summary, the available evidence is currently insufficient to determine the role of this variant in disease. Therefore, it has been classified as a Variant of Uncertain Significance.

NM_020247.5(COQ8A):c.344C>G (p.Pro115Arg)

Gene: COQ8A (coenzyme Q8A; plus strand). Cytogenetic location: 1q42.13.
Variant type: single nucleotide variant.
Coding change: c.344C>G on transcript NM_020247.5 (MANE Select); coding-DNA position 344, C replaced by G.
Protein change: p.Pro115Arg; replaces proline 115 with arginine.
Molecular consequence: missense variant.
Genome position (GRCh38, 1-based): chr1:226,965,166, C>G. VCF-style: chr1-226965166-C-G. GRCh37 (hg19) VCF-style: chr1-227152867-C-G.
Other names: c.344C>G (NM_020247.4); short protein forms P115R.
Identifiers: ClinVar variation 1046720 (VCV001046720.6), dbSNP rs746577141, ClinGen allele CA38628668.